The following is an entry in ClinVar:

NM_014391.3(ANKRD1):c.222dup (p.Leu75fs)

Gene: ANKRD1 (ankyrin repeat domain 1; minus strand). Cytogenetic location: 10q23.31.
Variant type: Duplication.
Coding change: c.222dup on transcript NM_014391.3 (MANE Select); coding-DNA position 222, one base duplicated (A; older notation c.222dupA).
Protein change: p.Leu75fs; shifts the reading frame from leucine 75.
Genome position (GRCh38, 1-based): chr10:90,919,254, T duplicated on the plus strand (A on the coding strand, the reverse complement: ANKRD1 is on the minus strand); the first of 6 consecutive T bases (chr10:90,919,254-90,919,259); duplicating any one gives the same sequence. VCF-style (leftmost placement, unchanged base first): chr10-90919253-G-GT. GRCh37 (hg19) VCF-style: chr10-92679010-G-GT.
Other names: p.Leu75ThrfsX8; c.222dupA (NM_014391.2); short protein forms L75fs.
Identifiers: ClinVar variation 201670 (VCV000201670.35), dbSNP rs776659587, ClinGen allele CA335086.

ClinVar aggregate classification (germline): Uncertain significance. Review status: criteria provided, multiple submitters, no conflicts (2 of 4 stars). 10 submissions from 10 submitters: Uncertain significance (7). 3 of the submissions do not count toward it. Last evaluated 2026-02-19.

Conditions:
ANKRD1-related disorder. Also called: ANKRD1-related condition.
Cardiovascular phenotype. Identifiers: MedGen CN230736.
ANKRD1-related dilated cardiomyopathy. Identifiers: MedGen CN119551.

Submissions (10):

PreventionGenetics, part of Exact Sciences
Classification: Uncertain significance for ANKRD1-related condition. Last evaluated: 2026-02-19. Review status: criteria provided, single submitter. Criteria: ACMG Guidelines, 2015. Collection method: clinical testing. Allele origin: germline.
Comment: The ANKRD1 c.222dupA variant is predicted to result in a frameshift and premature protein termination (p.Leu75Thrfs*8). This variant has been reported in multiple individuals with hypertrophic cardiomyopathy, dilated cardiomyopathy, and noncompaction cardiomyopathy (van Velzen et al. 2017. PubMed ID: 28794111; Online Table 3, van Waning et al. 2018. PubMed ID: 29447731; Online Supplementary File 2, van Lint et al. 2019. PubMed ID: 30847666; Table S8, Xiao et al. 2021. PubMed ID: 33996946). However, in at least one individual, this variant co-occurred with a pathogenic nonsense variant in a cardiomyopathy-associated gene that could explain the cardiac phenotypes (van Velzen et al. 2017. PubMed ID: 28794111). This variant is reported in 0.019% of alleles in individuals of European (Non-Finnish) descent in gnomAD and is interpreted as uncertain significance in ClinVar (Variation ID: 201670). Few chain-terminating variants in ANKRD1 are reported and loss of function has not been conclusively established as a mechanism for ANKRD1-related disorders. At this time, the clinical significance of this variant is uncertain due to the absence of conclusive functional and genetic evidence.

Labcorp Genetics (formerly Invitae), Labcorp
Classification: Uncertain significance for ANKRD1-related dilated cardiomyopathy. Last evaluated: 2025-09-30. Review status: criteria provided, single submitter. Criteria: Invitae Variant Classification Sherloc (09022015). Collection method: clinical testing. Allele origin: germline.
Comment: This sequence change creates a premature translational stop signal (p.Leu75Thrfs*8) in the ANKRD1 gene. It is expected to result in an absent or disrupted protein product. However, the current clinical and genetic evidence is not sufficient to establish whether loss-of-function variants in ANKRD1 cause disease. This variant is present in population databases (rs776659587, gnomAD 0.02%). This premature translational stop signal has been observed in individual(s) with dilated cardiomyopathy and/or hypertrophic cardiomyopathy (PMID: 28794111, 30847666, 33996946). ClinVar contains an entry for this variant (Variation ID: 201670). In summary, the available evidence is currently insufficient to determine the role of this variant in disease. Therefore, it has been classified as a Variant of Uncertain Significance.

Ambry Genetics
Classification: Uncertain significance for Cardiovascular phenotype. Last evaluated: 2024-12-02. Review status: criteria provided, single submitter. Criteria: Ambry Variant Classification Scheme 2023. Collection method: clinical testing. Allele origin: germline.
Comment: The c.222dupA variant, located in coding exon 3 of the ANKRD1 gene, results from a duplication of A at nucleotide position 222, causing a translational frameshift with a predicted alternate stop codon (p.L75Tfs*8). This variant was reported to co-occurr with an MYBPC3 mutation in a proband with features of hypertrophic and non-compaction cardiomyopathy (van Velzen HG. Circ Cardiovasc Genet. 2017 Aug;10(4)). This alteration is expected to result in loss of function by premature protein truncation or nonsense-mediated mRNA decay. However, loss of function of ANKRD1 has not been clearly established as a mechanism of disease. The evidence for this gene-disease relationship is limited; therefore, the clinical significance of this alteration is unclear.

GeneDx
Classification: Uncertain significance. Last evaluated: 2024-09-10. Review status: criteria provided, single submitter. Criteria: GeneDx Variant Classification Process June 2021. Collection method: clinical testing. Allele origin: germline. Affected: yes.
Comment: Reported in individuals with various types of cardiomyopathy, including hypertrophic, dilated, and noncompaction in published literature (PMID: 30847666, 29447731, 33996946, 36129056); Frameshift variant predicted to result in protein truncation or nonsense mediated decay in a gene for which loss-of-function is not a known mechanism of disease; This variant is associated with the following publications: (PMID: 29447731, 33996946, 30847666, 36129056, 28794111)

Mayo Clinic Laboratories, Mayo Clinic
Classification: Uncertain significance. Last evaluated: 2019-05-20. Review status: criteria provided, single submitter. Criteria: ACMG Guidelines, 2015. Collection method: clinical testing. Allele origin: germline. Observed: 1 variant allele.

Molecular Diagnostic Laboratory for Inherited Cardiovascular Disease, Montreal Heart Institute
Classification: Uncertain significance. Last evaluated: 2016-10-14. Review status: criteria provided, single submitter. Criteria: ACMG Guidelines, 2015. Collection method: clinical testing. Allele origin: germline. Affected: yes.

Laboratory for Molecular Medicine, Mass General Brigham Personalized Medicine
Classification: Uncertain significance. Last evaluated: 2015-01-29. Review status: criteria provided, single submitter. Criteria: LMM Criteria. Collection method: clinical testing. Allele origin: germline. Observed: 1 variant allele.
Comment: The p.Leu75fs variant in ANKRD1 has not been previously reported in individuals with cardiomyopathy, but has been identified in 11/60640 (0.02%) European chromo somes by the Exome Aggregation Consortium (ExAC) . This variant is predicted to cause a frameshift, which alters the protein?s am ino acid sequence beginning at position 75 and leads to a premature termination codon 8 amino acids downstream. This alteration is then predicted to lead to a t runcated or absent protein. Although this variant is expected severely impact th e protein, there is insufficient evidence to conclusively establish or rule out the role of ANKRD1 in disease and the spectrum of variants that can cause diseas e is poorly defined. In summary, the clinical significance of the p.Leu75fs vari ant is uncertain.

Clinical Genetics DNA and cytogenetics Diagnostics Lab, Erasmus MC, Erasmus Medical Center
Classification: Uncertain significance. Review status: no assertion criteria provided. Collection method: clinical testing. Allele origin: germline. Affected: yes. Study: VKGL Data-share Consensus. Not counted in ClinVar's aggregate classification.

Clinical Genetics, Academic Medical Center
Classification: Uncertain significance. Review status: no assertion criteria provided. Collection method: clinical testing. Allele origin: germline. Affected: yes. Study: VKGL Data-share Consensus. Not counted in ClinVar's aggregate classification.

Genome Diagnostics Laboratory, University Medical Center Utrecht
Classification: Uncertain significance. Review status: no assertion criteria provided. Collection method: clinical testing. Allele origin: germline. Affected: yes. Study: VKGL Data-share Consensus. Not counted in ClinVar's aggregate classification.

Literature cited by the submitters: PubMed 28794111 (cited by Labcorp Genetics (formerly Invitae), Labcorp and Ambry Genetics); PubMed 30847666 (cited by Labcorp Genetics (formerly Invitae), Labcorp); PubMed 33996946 (cited by Labcorp Genetics (formerly Invitae), Labcorp); PubMed 29447731 (cited by Ambry Genetics).